The following is an entry in ClinVar:

ClinVar aggregate classification (germline): Likely benign. Review status: criteria provided, multiple submitters, no conflicts (2 of 4 stars). 2 submissions from 2 submitters: Likely benign (2). Last evaluated 2025-02-02.

Conditions:
Hypertrophic cardiomyopathy. Also called: HYPERTROPHIC MYOCARDIOPATHY. Identifiers: Orphanet 217569, MedGen C0007194, MeSH D002312, MONDO:0005045, HP:0001639.
Cardiomyopathy (CMYO). Also called: Cardiomyopathies. Identifiers: Orphanet 167848, MedGen C0878544, MONDO:0004994, HP:0001638. Inheritance: Various modes of inheritance.

Allele frequency attached by ClinVar (database versions not stated): gnomAD exomes below 0.00001; TOPMed below 0.00001; ExAC 0.00001; gnomAD 0.00001.
gnomAD v4.1: 4 of 1,614,106 alleles (0.00025%); highest among the groups gnomAD compares: East Asian, 0.0022%; no homozygotes.

Submissions (2):

Labcorp Genetics (formerly Invitae), Labcorp
Classification: Likely benign for Hypertrophic cardiomyopathy. Last evaluated: 2025-02-02. Review status: criteria provided, single submitter. Criteria: Invitae Variant Classification Sherloc (09022015). Collection method: clinical testing. Allele origin: germline.

All of Us Research Program, National Institutes of Health
Classification: Likely benign for Cardiomyopathy. Last evaluated: 2024-08-13. Review status: criteria provided, single submitter. Criteria: ACMG Guidelines, 2015. Collection method: clinical testing. Allele origin: germline. Inheritance: Autosomal dominant inheritance. Observed: 2 variant alleles, 2 heterozygotes.
Comment: This study involves interpretation of variants in research participants for the purpose of population health screening. Participant phenotype was not available at the time of variant classification. Additional details can be found in publication PMID: 35346344, PMCID: PMC8962531

NM_000257.4(MYH7):c.5010C>T (p.Asn1670=)

Genes: MHRT (myosin heavy chain associated RNA transcript; plus strand), MYH7 (myosin heavy chain 7; minus strand), LOC126861897 (BRD4-independent group 4 enhancer GRCh37_chr14:23884455-23885654; plus strand). Cytogenetic location: 14q11.2.
Variant type: single nucleotide variant.
Coding change: c.5010C>T on transcript NM_000257.4 (MANE Select); coding-DNA position 5010, C replaced by T.
Protein change: p.Asn1670=; no amino-acid change (asparagine 1670 retained).
Molecular consequence: synonymous variant. On other transcripts: non-coding transcript variant (1).
Genome position (GRCh38, 1-based): chr14:23,415,776, G>A on the plus strand (C>T on the coding strand, the complement: MYH7 is on the minus strand). VCF-style: chr14-23415776-G-A. GRCh37 (hg19) VCF-style: chr14-23884985-G-A.
Other names: c.5010C>T, p.Asn1670= (NM_001407004.1).
Identifiers: ClinVar variation 3071417 (VCV003071417.4), dbSNP rs768774626, ClinGen allele CA044742.